The following is an entry in ClinVar:

NM_013275.6(ANKRD11):c.5434C>T (p.Gln1812Ter)

Gene: ANKRD11 (ankyrin repeat domain 11; minus strand). Cytogenetic location: 16q24.3.
Variant type: single nucleotide variant.
Coding change: c.5434C>T on transcript NM_013275.6 (MANE Select); coding-DNA position 5434, C replaced by T.
Protein change: p.Gln1812Ter; replaces glutamine 1812 with a stop codon.
Molecular consequence: nonsense.
Genome position (GRCh38, 1-based): chr16:89,281,108, G>A on the plus strand (C>T on the coding strand, the complement: ANKRD11 is on the minus strand). VCF-style: chr16-89281108-G-A. GRCh37 (hg19) VCF-style: chr16-89347516-G-A.
Other names: c.5434C>T, p.Gln1812Ter (NM_001256182.2, NM_001256183.2); short protein forms Q1812*.
Identifiers: ClinVar variation 1918124 (VCV001918124.5), dbSNP rs2544228051, ClinGen allele CA397154239.
Genomic context (GRCh38, chr16:89,281,108, plus strand): 5'-TGTCTTCCATCGAGGGTGGCATGGGAGAGTCGTAGCTGGAGGCAGCAGGAACGCTCTGCT[G>A]CCTGAAGAGCTTGTCTCCGACGCTGAATTCTTCCTCGGGGGTCCTCCTAATGTCGACAGA-3'

ClinVar aggregate classification (germline): Pathogenic (1 of 4 stars; one submission).

Conditions:
KBG syndrome (KBGS). Also called: ANKRD11-Related KBG Syndrome. Identifiers: Orphanet 2332, MedGen C0220687, MONDO:0007846, OMIM 148050.

Submission:

Labcorp Genetics (formerly Invitae), Labcorp
Classification: Pathogenic for KBG syndrome. Last evaluated: 2024-10-25. Review status: criteria provided, single submitter. Criteria: Invitae Variant Classification Sherloc (09022015). Collection method: clinical testing. Allele origin: germline.
Comment: This sequence change creates a premature translational stop signal (p.Gln1812*) in the ANKRD11 gene. It is expected to result in an absent or disrupted protein product. Loss-of-function variants in ANKRD11 are known to be pathogenic (PMID: 21782149, 25125236, 25413698, 25652421). This variant is not present in population databases (gnomAD no frequency). This premature translational stop signal has been observed in individual(s) with clinical features of Cornelia de Lange syndrome (PMID: 31337854). ClinVar contains an entry for this variant (Variation ID: 1918124). For these reasons, this variant has been classified as Pathogenic.

Literature cited by the submitters: PubMed 21782149; PubMed 25125236; PubMed 25413698; PubMed 25652421; PubMed 31337854.